The following is an entry in ClinVar:

ClinVar aggregate classification (germline): Likely benign (1 of 4 stars; one submission).

Submission:

CeGaT Center for Human Genetics Tuebingen
Classification: Likely benign. Last evaluated: 2025-09-01. Review status: criteria provided, single submitter. Criteria: CeGaT Center For Human Genetics Tuebingen Variant Classification Criteria Version 2. Collection method: clinical testing. Allele origin: germline. Affected: yes. Observed: 1 variant allele.
Comment: SSC5D: BP4, BP7

NM_001144950.2(SSC5D):c.3840C>T (p.Thr1280=)

Gene: SSC5D (scavenger receptor cysteine rich family member with 5 domains; plus strand). Cytogenetic location: 19q13.42.
Variant type: single nucleotide variant.
Coding change: c.3840C>T on transcript NM_001144950.2 (MANE Select); coding-DNA position 3840, C replaced by T.
Protein change: p.Thr1280=; no amino-acid change (threonine 1280 retained).
Molecular consequence: synonymous variant.
Genome position (GRCh38, 1-based): chr19:55,518,116, C>T. VCF-style: chr19-55518116-C-T. GRCh37 (hg19) VCF-style: chr19-56029483-C-T.
Identifiers: ClinVar variation 4533535 (VCV004533535.6).